The following is an entry in ClinVar:

ClinVar aggregate classification (germline): Uncertain significance (1 of 4 stars; one submission).

Submission:

Labcorp Genetics (formerly Invitae), Labcorp
Classification: Uncertain significance. Last evaluated: 2025-03-22. Review status: criteria provided, single submitter. Criteria: Invitae Variant Classification Sherloc (09022015). Collection method: clinical testing. Allele origin: germline.
Comment: This sequence change replaces aspartic acid, which is acidic and polar, with glycine, which is neutral and non-polar, at codon 201 of the HOXB13 protein (p.Asp201Gly). This variant is not present in population databases (gnomAD no frequency). This variant has not been reported in the literature in individuals affected with HOXB13-related conditions. An algorithm developed to predict the effect of missense changes on protein structure and function (PolyPhen-2) suggests that this variant is likely to be tolerated. In summary, the available evidence is currently insufficient to determine the role of this variant in disease. Therefore, it has been classified as a Variant of Uncertain Significance.

NM_006361.6(HOXB13):c.602A>G (p.Asp201Gly)

Gene: HOXB13 (homeobox B13; minus strand). Cytogenetic location: 17q21.32.
Variant type: single nucleotide variant.
Coding change: c.602A>G on transcript NM_006361.6 (MANE Select); coding-DNA position 602, A replaced by G.
Protein change: p.Asp201Gly; replaces aspartic acid 201 with glycine.
Molecular consequence: missense variant.
Genome position (GRCh38, 1-based): chr17:48,727,043, T>C on the plus strand (A>G on the coding strand, the complement: HOXB13 is on the minus strand). VCF-style: chr17-48727043-T-C. GRCh37 (hg19) VCF-style: chr17-46804405-T-C.
Other names: short protein forms D201G.
Identifiers: ClinVar variation 4753792 (VCV004753792.1).